The following is an entry in ClinVar:

ClinVar aggregate classification (germline): Pathogenic. Review status: reviewed by expert panel (3 of 4 stars). 6 submissions from 6 submitters: Pathogenic (1). 5 of the submissions do not count toward it. Last evaluated 2016-09-08.

Conditions:
Hereditary breast ovarian cancer syndrome. Also called: Hereditary breast and ovarian cancer syndrome; Hereditary breast and ovarian cancer; Hereditary breast and ovarian cancer syndrome (HBOC); Breast and ovarian cancer; Hereditary breast and/or ovarian cancer syndrome; BRCA1- and BRCA2-Associated Hereditary Breast and Ovarian Cancer. Identifiers: Orphanet 145, MedGen C0677776, MeSH D061325, MONDO:0003582. Disease mechanism: loss of function.
Breast-ovarian cancer, familial, susceptibility to, 2 (BROVCA2). Also called: BRCA2 Hereditary Breast and Ovarian Cancer. Identifiers: Orphanet 145, MedGen C2675520, MONDO:0012933, OMIM 612555. Disease mechanism: loss of function.
Hereditary cancer-predisposing syndrome. Also called: Neoplastic Syndromes, Hereditary; Tumor predisposition; Hereditary Cancer Syndrome; Hereditary neoplastic syndrome. Identifiers: Orphanet 140162, MedGen C0027672, MeSH D009386, MONDO:0015356.
Familial cancer of breast. Also called: BREAST CANCER, FAMILIAL; Hereditary breast cancer; hereditary breast carcinoma. Identifiers: Orphanet 227535, MedGen C0346153, MONDO:0016419, OMIM 114480. Disease mechanism: loss of function.

Submissions (6):

Evidence-based Network for the Interpretation of Germline Mutant Alleles (ENIGMA)
Classification: Pathogenic for Breast-ovarian cancer, familial, susceptibility to, 2. Last evaluated: 2016-09-08. Review status: reviewed by expert panel. Criteria: ENIGMA BRCA1/2 Classification Criteria (2015). Collection method: curation. Allele origin: germline.
Comment: Variant allele predicted to encode a truncated non-functional protein.

Labcorp Genetics (formerly Invitae), Labcorp
Classification: Pathogenic for Hereditary breast ovarian cancer syndrome. Last evaluated: 2025-09-24. Review status: criteria provided, single submitter. Criteria: Invitae Variant Classification Sherloc (09022015). Collection method: clinical testing. Allele origin: germline. Not counted in ClinVar's aggregate classification.
Comment: This sequence change creates a premature translational stop signal (p.Ser611Glnfs*3) in the BRCA2 gene. It is expected to result in an absent or disrupted protein product. Loss-of-function variants in BRCA2 are known to be pathogenic (PMID: 20104584). This variant is not present in population databases (gnomAD no frequency). This premature translational stop signal has been observed in individual(s) with clinical features of BRCA2-related conditions (PMID: 10923033, 21520333). ClinVar contains an entry for this variant (Variation ID: 51211). Algorithms developed to predict the effect of sequence changes on RNA splicing suggest that this variant may disrupt the consensus splice site. For these reasons, this variant has been classified as Pathogenic.

Ambry Genetics
Classification: Pathogenic for Hereditary cancer-predisposing syndrome. Last evaluated: 2025-04-28. Review status: criteria provided, single submitter. Criteria: Ambry Variant Classification Scheme 2023. Collection method: clinical testing. Allele origin: germline. Not counted in ClinVar's aggregate classification.
Comment: The c.1831delT pathogenic mutation, located in coding exon 9 of the BRCA2 gene, results from a deletion of one nucleotide at nucleotide position 1831, causing a translational frameshift with a predicted alternate stop codon (p.S611Qfs*3). This alteration is expected to result in loss of function by premature protein truncation or nonsense-mediated mRNA decay. As such, this alteration is interpreted as a disease-causing mutation.

Baylor Genetics
Classification: Pathogenic for Familial cancer of breast. Last evaluated: 2024-02-21. Review status: criteria provided, single submitter. Criteria: ACMG Guidelines, 2015. Collection method: clinical testing. Allele origin: unknown. Not counted in ClinVar's aggregate classification.

Quest Diagnostics Nichols Institute San Juan Capistrano
Classification: Pathogenic. Last evaluated: 2022-02-14. Review status: criteria provided, single submitter. Criteria: Quest Diagnostics criteria. Collection method: clinical testing. Allele origin: unknown. Not counted in ClinVar's aggregate classification.
Comment: This frameshift variant alters the translational reading frame of the BRCA2 mRNA and causes the premature termination of BRCA2 protein synthesis. It has not been reported in large, multi-ethnic general populations. Based on the available information, this variant is classified as pathogenic.

Breast Cancer Information Core (BIC) (BRCA2)
Classification: Pathogenic for Breast-ovarian cancer, familial 2. Last evaluated: 2003-12-23. Review status: no assertion criteria provided. Collection method: clinical testing. Allele origin: germline. Affected: yes. Observed: 1 variant allele. Not counted in ClinVar's aggregate classification.

Literature cited by the submitters: PubMed 20104584 (cited by Labcorp Genetics (formerly Invitae), Labcorp); PubMed 10923033 (cited by Labcorp Genetics (formerly Invitae), Labcorp); PubMed 21520333 (cited by Labcorp Genetics (formerly Invitae), Labcorp); PubMed 26295337 (cited by Quest Diagnostics Nichols Institute San Juan Capistrano).

NM_000059.4(BRCA2):c.1831del (p.Ser611fs)

Gene: BRCA2 (BRCA2 DNA repair associated; plus strand). Cytogenetic location: 13q13.1.
Variant type: Deletion.
Coding change: c.1831del on transcript NM_000059.4 (MANE Select); coding-DNA position 1831, one base deleted (T; older notation c.1831delT).
Protein change: p.Ser611fs; shifts the reading frame from serine 611.
Molecular consequence: frameshift variant.
Genome position (GRCh38, 1-based): chr13:32,333,309, T deleted. VCF-style (leftmost placement, unchanged base first): chr13-32333308-AT-A. GRCh37 (hg19) VCF-style: chr13-32907445-AT-A.
Other names: 2059delT; c.1831delT (NM_000059.3).
Identifiers: ClinVar variation 51211 (VCV000051211.17), dbSNP rs80359311, ClinGen allele CA013499.